The following is an entry in ClinVar:

ClinVar aggregate classification (germline): Uncertain significance. Review status: criteria provided, multiple submitters, no conflicts (2 of 4 stars). 3 submissions from 3 submitters: Uncertain significance (3). Last evaluated 2025-10-09.

Allele frequency attached by ClinVar (database versions not stated): TOPMed below 0.00001; ExAC 0.00001; gnomAD 0.00001; gnomAD exomes 0.00001.
gnomAD v4.1: 6 of 1,613,920 alleles (0.00037%); highest among the groups gnomAD compares: Admixed American, 0.0017%; no homozygotes.

Submissions (3):

Ambry Genetics
Classification: Uncertain significance. Last evaluated: 2025-10-09. Review status: criteria provided, single submitter. Criteria: Ambry Variant Classification Scheme 2023. Collection method: clinical testing. Allele origin: germline.
Comment: The p.R304S variant (also known as c.912A>T), located in coding exon 9 of the FAM175A gene, results from an A to T substitution at nucleotide position 912. The arginine at codon 304 is replaced by serine, an amino acid with dissimilar properties. This amino acid position is conserved. In addition, this alteration is predicted to be tolerated by in silico analysis. Since supporting evidence is limited at this time, the clinical significance of this alteration remains unclear.

Labcorp Genetics (formerly Invitae), Labcorp
Classification: Uncertain significance. Last evaluated: 2022-11-12. Review status: criteria provided, single submitter. Criteria: Invitae Variant Classification Sherloc (09022015). Collection method: clinical testing. Allele origin: germline.
Comment: This sequence change replaces arginine, which is basic and polar, with serine, which is neutral and polar, at codon 304 of the ABRAXAS1 protein (p.Arg304Ser). In summary, the available evidence is currently insufficient to determine the role of this variant in disease. Therefore, it has been classified as a Variant of Uncertain Significance. Advanced modeling of protein sequence and biophysical properties (such as structural, functional, and spatial information, amino acid conservation, physicochemical variation, residue mobility, and thermodynamic stability) performed at Invitae indicates that this missense variant is not expected to disrupt ABRAXAS1 protein function. ClinVar contains an entry for this variant (Variation ID: 996263). This variant has not been reported in the literature in individuals affected with ABRAXAS1-related conditions. This variant is present in population databases (rs778300694, gnomAD 0.0009%).

Women's Health and Genetics/Laboratory Corporation of America, LabCorp
Classification: Uncertain significance. Last evaluated: 2021-01-11. Review status: criteria provided, single submitter. Criteria: LabCorp Variant Classification Summary - May 2015. Collection method: clinical testing. Allele origin: germline.
Comment: Variant summary: FAM175A c.912A>T (p.Arg304Ser) results in a non-conservative amino acid change in the encoded protein sequence. Three of five in-silico tools predict a benign effect of the variant on protein function. The variant allele was found at a frequency of 8e-06 in 251152 control chromosomes. The available data on variant occurrences in the general population are insufficient to allow any conclusion about variant significance. To our knowledge, no occurrence of c.912A>T in individuals affected with Hereditary Breast And Ovarian Cancer Syndrome and no experimental evidence demonstrating its impact on protein function have been reported. No clinical diagnostic laboratories have submitted clinical-significance assessments for this variant to ClinVar after 2014. Based on the evidence outlined above, the variant was classified as uncertain significance.

NM_139076.3(ABRAXAS1):c.912A>T (p.Arg304Ser)

Gene: ABRAXAS1 (abraxas 1, BRCA1 A complex subunit; minus strand). Cytogenetic location: 4q21.23.
Variant type: single nucleotide variant.
Coding change: c.912A>T on transcript NM_139076.3 (MANE Select); coding-DNA position 912, A replaced by T.
Protein change: p.Arg304Ser; replaces arginine 304 with serine.
Molecular consequence: missense variant.
Genome position (GRCh38, 1-based): chr4:83,462,787, T>A on the plus strand (A>T on the coding strand, the complement: ABRAXAS1 is on the minus strand). VCF-style: chr4-83462787-T-A. GRCh37 (hg19) VCF-style: chr4-84383940-T-A.
Other names: c.585A>T, p.Arg195Ser (NM_001345962.2); short protein forms R195S, R304S.
Identifiers: ClinVar variation 996263 (VCV000996263.13), dbSNP rs778300694, ClinGen allele CA2990413.
Genomic context (GRCh38, chr4:83,462,787, plus strand): 5'-GGTCAGATTGTCTACTACATCGAGATGGTGGTTGTAGTTACAGCTACTTTTAGAAACATG[T>A]CTATTTTTTAAAGACATAACACATGAATGAAGAAATTCAGAATTTGGAAAAAAGGTCCGT-3'
Protein context (NP_620775.2, residues 294-314): LHSCVMSLKN[Arg304Ser]HVSKSSCNYN